The following is an entry in ClinVar:

NM_001354604.2(MITF):c.1045A>T (p.Asn349Tyr)

Gene: MITF (melanocyte inducing transcription factor; plus strand). Cytogenetic location: 3p13.
Variant type: single nucleotide variant.
Coding change: c.1045A>T on transcript NM_001354604.2 (MANE Select); coding-DNA position 1045, A replaced by T.
Protein change: p.Asn349Tyr; replaces asparagine 349 with tyrosine.
Molecular consequence: missense variant.
Genome position (GRCh38, 1-based): chr3:69,959,286, A>T. VCF-style: chr3-69959286-A-T. GRCh37 (hg19) VCF-style: chr3-70008437-A-T.
Other names: c.724A>T, p.Asn242Tyr (NM_000248.4); c.871A>T, p.Asn291Tyr (NM_001184967.2, NM_001354608.2); c.1042A>T, p.Asn348Tyr (NM_001354605.2); c.1024A>T, p.Asn342Tyr (NM_001354606.2, NM_006722.3); c.976A>T, p.Asn326Tyr (NM_001354607.2); c.706A>T, p.Asn236Tyr (NM_198158.3); c.1027A>T, p.Asn343Tyr (NM_198159.3); c.979A>T, p.Asn327Tyr (NM_198177.3); and 1 more; short protein forms N327Y, N349Y, N242Y, N342Y, N180Y, N291Y, N326Y, N348Y.
Identifiers: ClinVar variation 2921810 (VCV002921810.3), dbSNP rs2107536879, ClinGen allele CA353561902.

ClinVar aggregate classification (germline): Uncertain significance (1 of 4 stars; one submission).

Conditions:
Tietz syndrome (TADS). Also called: HYPOPIGMENTATION/DEAFNESS OF TIETZ; ALBINISM-DEAFNESS OF TIETZ; TIETZ ALBINISM-DEAFNESS SYNDROME. Identifiers: Orphanet 42665, MedGen C0391816, MONDO:0007077, OMIM 103500.
Melanoma, cutaneous malignant, susceptibility to, 8. Also called: Cutaneous malignant melanoma 8; MELANOMA AND RENAL CELL CARCINOMA, SUSCEPTIBILITY TO. Identifiers: Orphanet 293822, MedGen C3152204, MONDO:0013759, OMIM 614456.
Waardenburg syndrome type 2A (WS2A). Also called: WAARDENBURG SYNDROME WITHOUT DYSTOPIA CANTHORUM. Identifiers: Orphanet 3440, MedGen C1860339, MONDO:0008671, OMIM 193510.

Submission:

Labcorp Genetics (formerly Invitae), Labcorp
Classification: Uncertain significance for Melanoma, cutaneous malignant, susceptibility to, 8; Waardenburg syndrome type 2A; Tietz syndrome. Last evaluated: 2023-12-30. Review status: criteria provided, single submitter. Criteria: Invitae Variant Classification Sherloc (09022015). Collection method: clinical testing. Allele origin: germline.
Comment: This sequence change replaces asparagine, which is neutral and polar, with tyrosine, which is neutral and polar, at codon 242 of the MITF protein (p.Asn242Tyr). This variant is not present in population databases (gnomAD no frequency). This variant has not been reported in the literature in individuals affected with MITF-related conditions. Advanced modeling of protein sequence and biophysical properties (such as structural, functional, and spatial information, amino acid conservation, physicochemical variation, residue mobility, and thermodynamic stability) performed at Invitae indicates that this missense variant is expected to disrupt MITF protein function with a positive predictive value of 80%. In summary, the available evidence is currently insufficient to determine the role of this variant in disease. Therefore, it has been classified as a Variant of Uncertain Significance.